The following is an entry in ClinVar:

ClinVar aggregate classification (germline): Uncertain significance. Review status: criteria provided, multiple submitters, no conflicts (2 of 4 stars). 5 submissions from 5 submitters: Uncertain significance (5). Last evaluated 2026-02-24.

Conditions:
Inborn genetic diseases. Identifiers: MedGen C0950123, MeSH D030342.
Bardet-Biedl syndrome 14 (BBS14). Identifiers: Orphanet 110, MedGen C2673874, MONDO:0014442, OMIM 615991.
Joubert syndrome 5 (JBTS5). Identifiers: Orphanet 2318, MedGen C1857780, MONDO:0012432, OMIM 610188.
Senior-Loken syndrome 6 (SLSN6). Identifiers: Orphanet 3156, MedGen C1857779, MONDO:0012433, OMIM 610189.
Meckel syndrome, type 4 (MKS4). Also called: MECKEL-GRUBER SYNDROME, TYPE 4. Identifiers: Orphanet 564, MedGen C1970161, MONDO:0012626, OMIM 611134.
Leber congenital amaurosis 10 (LCA10). Identifiers: Orphanet 65, MedGen C1857821, MONDO:0012723, OMIM 611755.
CEP290-related disorder. Also called: CEP290-related condition; CEP290-related disorders. Identifiers: MedGen CN239314.
Nephronophthisis. Also called: Juvenile Nephronophthisis. Identifiers: Orphanet 655, MedGen C0687120, MONDO:0019005, HP:0000090.
Meckel-Gruber syndrome. Also called: DYSENCEPHALIA SPLANCHNOCYSTICA; GRUBER SYNDROME; Dysencephalia splachnocystica. Identifiers: Orphanet 564, MedGen C0265215, MONDO:0018921.
Joubert syndrome. Also called: JOUBERT-BOLTSHAUSER SYNDROME; Familial aplasia of the vermis. Identifiers: Orphanet 475, MedGen C5979921, MONDO:0018772.
Stuve-Wiedemann syndrome 2. Also called: Stüve-Wiedemann syndrome 2. Identifiers: MedGen C5676919, MONDO:0030756, OMIM 619751.

Allele frequency attached by ClinVar (database versions not stated): gnomAD 0.00002.

Submissions (5):

Ambry Genetics
Classification: Uncertain significance for Inborn genetic diseases. Last evaluated: 2026-02-24. Review status: criteria provided, single submitter. Criteria: Ambry Variant Classification Scheme 2023. Collection method: clinical testing. Allele origin: germline.

Labcorp Genetics (formerly Invitae), Labcorp
Classification: Uncertain significance for Joubert syndrome; Meckel-Gruber syndrome; Nephronophthisis. Last evaluated: 2025-06-12. Review status: criteria provided, single submitter. Criteria: Invitae Variant Classification Sherloc (09022015). Collection method: clinical testing. Allele origin: germline.
Comment: This sequence change replaces leucine, which is neutral and non-polar, with phenylalanine, which is neutral and non-polar, at codon 1805 of the CEP290 protein (p.Leu1805Phe). This variant is present in population databases (no rsID available, gnomAD 0.01%). This variant has not been reported in the literature in individuals affected with CEP290-related conditions. ClinVar contains an entry for this variant (Variation ID: 1432476). Invitae Evidence Modeling of protein sequence and biophysical properties (such as structural, functional, and spatial information, amino acid conservation, physicochemical variation, residue mobility, and thermodynamic stability) indicates that this missense variant is expected to disrupt CEP290 protein function with a positive predictive value of 80%. In summary, the available evidence is currently insufficient to determine the role of this variant in disease. Therefore, it has been classified as a Variant of Uncertain Significance.

PreventionGenetics, part of Exact Sciences
Classification: Uncertain significance for CEP290-related condition. Last evaluated: 2025-02-21. Review status: criteria provided, single submitter. Criteria: ACMG Guidelines, 2015. Collection method: clinical testing. Allele origin: germline.
Comment: The CEP290 c.5413C>T variant is predicted to result in the amino acid substitution p.Leu1805Phe. To our knowledge, this variant has not been reported in the literature. This variant is reported in 0.012% of alleles in individuals of African descent in gnomAD. At this time, the clinical significance of this variant is uncertain due to the absence of conclusive functional and genetic evidence.

Fulgent Genetics
Classification: Uncertain significance for Joubert syndrome 5; Senior-Loken syndrome 6; Meckel syndrome, type 4; Leber congenital amaurosis 10; Bardet-Biedl syndrome 14. Last evaluated: 2024-01-04. Review status: criteria provided, single submitter. Criteria: ACMG Guidelines, 2015. Collection method: clinical testing. Allele origin: germline.

Department of Human Genetics, Hannover Medical School
Classification: Uncertain significance for Stuve-Wiedemann syndrome 2. Last evaluated: 2023-08-09. Review status: criteria provided, single submitter. Criteria: ACMG Guidelines, 2015. Collection method: clinical testing. Allele origin: germline. Inheritance: Autosomal recessive inheritance. Affected: yes.

NM_025114.4(CEP290):c.5413C>T (p.Leu1805Phe)

Gene: CEP290 (centrosomal protein 290; minus strand). Cytogenetic location: 12q21.32.
Variant type: single nucleotide variant.
Coding change: c.5413C>T on transcript NM_025114.4 (MANE Select); coding-DNA position 5413, C replaced by T.
Protein change: p.Leu1805Phe; replaces leucine 1805 with phenylalanine.
Molecular consequence: missense variant.
Genome position (GRCh38, 1-based): chr12:88,077,870, G>A on the plus strand (C>T on the coding strand, the complement: CEP290 is on the minus strand). VCF-style: chr12-88077870-G-A. GRCh37 (hg19) VCF-style: chr12-88471647-G-A.
Other names: c.5413C>T (NM_025114.3); short protein forms L1805F.
Identifiers: ClinVar variation 1432476 (VCV001432476.8), dbSNP rs1366280320, ClinGen allele CA385989000.